The following is an entry in ClinVar:

NM_001967.4(EIF4A2):c.1088dup (p.Gly364fs)

Gene: EIF4A2 (eukaryotic translation initiation factor 4A2; plus strand). Cytogenetic location: 3q27.3.
Variant type: Duplication.
Coding change: c.1088dup on transcript NM_001967.4 (MANE Select); coding-DNA position 1088, one base duplicated (G; older notation c.1088dupG).
Protein change: p.Gly364fs; shifts the reading frame from glycine 364.
Molecular consequence: frameshift variant.
Genome position (GRCh38, 1-based): chr3:186,789,133, G duplicated. VCF-style (leftmost placement, unchanged base first): chr3-186789132-A-AG. GRCh37 (hg19) VCF-style: chr3-186506921-A-AG.
Other names: short protein forms G364fs.
Identifiers: ClinVar variation 3364533 (VCV003364533.1).
Genomic context (GRCh38, chr3:186,789,132, plus strand): 5'-AGTAGTTTATACATTATGTGAGAAGTAACGTTCTGATTCTTTTTCTTACACAGAATTGGC[A>AG]GAGGGGGTCGATTTGGGAGGAAAGGTGTGGCTATAAACTTTGTTACTGAAGAAGACAAGA-3'

ClinVar aggregate classification (germline): Uncertain significance (1 of 4 stars; one submission).

Submission:

GeneDx
Classification: Uncertain significance. Last evaluated: 2023-11-20. Review status: criteria provided, single submitter. Criteria: GeneDx Variant Classification Process June 2021. Collection method: clinical testing. Allele origin: germline. Affected: yes.
Comment: Not observed at significant frequency in large population cohorts (gnomAD); Has not been previously published as pathogenic or benign to our knowledge; Frameshift variant predicted to result in abnormal protein length as the last 44 amino acids are replaced with 15 different amino acids in a gene for which loss-of-function is not an established mechanism of disease